The following is an entry in ClinVar:

ClinVar aggregate classification (germline): Likely pathogenic. Review status: reviewed by expert panel (3 of 4 stars). 3 submissions from 3 submitters: Likely pathogenic (1). 2 of the submissions do not count toward it. Last evaluated 2026-07-01.

Conditions:
Pitt-Hopkins syndrome (PTHS). Also called: ENCEPHALOPATHY, SEVERE EPILEPTIC, WITH AUTONOMIC DYSFUNCTION; MENTAL RETARDATION, SYNDROMAL, WITH INTERMITTENT HYPERVENTILATION. Identifiers: Orphanet 2896, MedGen C1970431, MONDO:0012589, OMIM 610954.

Submissions (3):

ClinGen Rett and Angelman-like Disorders Variant Curation Expert Panel
Classification: Likely pathogenic for Pitt-Hopkins syndrome. Last evaluated: 2026-07-01. Review status: reviewed by expert panel. Criteria: ClinGen RettAS ACMG Specifications TCF4 V6.0. Collection method: curation. Allele origin: germline. Inheritance: Autosomal dominant inheritance.
Comment: The p.Val581Phe variant in TCF4 is located in the basic Helix-Loop-Helix domain (bHLH) (PMID 17436254, 22045651) (PM1). This variant is absent from gnomAD (PM2_supporting). Computational prediction analysis tools suggests a deleterious impact; however, this information does not predict clinical significance on its own (PP3). The p.Val581Phe variant in TCF4 has been observed in at least 2 individuals with neurodevelopmental phenotype (University of Chicago internal database, Labcorp Genetics (formerly Invitae) internal database) (PS4_supporting). In summary, the p.Val581Phe variant in TCF4 is classified as likely pathogenic for Pitt-Hopkins syndrome based on the ACMG/AMP criteria (PM1, PM2_supporting, PM6, PP3, PS4_supporting). (TCF4 Specifications v6.0.0; curation approved on 7/1/2026.)

Labcorp Genetics (formerly Invitae), Labcorp
Classification: Uncertain significance for Pitt-Hopkins syndrome. Last evaluated: 2024-02-23. Review status: criteria provided, single submitter. Criteria: Invitae Variant Classification Sherloc (09022015). Collection method: clinical testing. Allele origin: germline. Not counted in ClinVar's aggregate classification.
Comment: This sequence change replaces valine, which is neutral and non-polar, with phenylalanine, which is neutral and non-polar, at codon 581 of the TCF4 protein (p.Val581Phe). This variant is not present in population databases (gnomAD no frequency). This variant has not been reported in the literature in individuals affected with TCF4-related conditions. ClinVar contains an entry for this variant (Variation ID: 160079). Advanced modeling of protein sequence and biophysical properties (such as structural, functional, and spatial information, amino acid conservation, physicochemical variation, residue mobility, and thermodynamic stability) has been performed at Invitae for this missense variant, however the output from this modeling did not meet the statistical confidence thresholds required to predict the impact of this variant on TCF4 protein function. In summary, the available evidence is currently insufficient to determine the role of this variant in disease. Therefore, it has been classified as a Variant of Uncertain Significance.

Genetic Services Laboratory, University of Chicago
Classification: Likely pathogenic for Pitt-Hopkins syndrome. Last evaluated: 2013-02-08. Review status: criteria provided, single submitter. Criteria: ACMG Guidelines, 2007. Collection method: clinical testing. Allele origin: germline. Inheritance: Autosomal dominant inheritance. Affected: yes. Not counted in ClinVar's aggregate classification.

NM_001083962.2(TCF4):c.1741G>T (p.Val581Phe)

Gene: TCF4 (transcription factor 4; minus strand). Cytogenetic location: 18q21.2.
Variant type: single nucleotide variant.
Coding change: c.1741G>T on transcript NM_001083962.2 (MANE Select); coding-DNA position 1741, G replaced by T.
Protein change: p.Val581Phe; replaces valine 581 with phenylalanine.
Molecular consequence: missense variant.
Genome position (GRCh38, 1-based): chr18:55,228,985, C>A on the plus strand (G>T on the coding strand, the complement: TCF4 is on the minus strand). VCF-style: chr18-55228985-C-A. GRCh37 (hg19) VCF-style: chr18-52896216-C-A.
Other names: NM_001083962.2(TCF4):c.1741G>T; p.Val581Phe; c.2047G>T, p.Val683Phe (NM_001243226.3); c.1669G>T, p.Val557Phe (NM_001243227.2, NM_001369575.1, NM_001348217.1 and 1 more transcripts); c.1759G>T, p.Val587Phe (NM_001243228.2); c.1720G>T, p.Val574Phe (NM_001243230.2); c.1603G>T, p.Val535Phe (NM_001243231.2); c.1528G>T, p.Val510Phe (NM_001243232.1); and 16 more; short protein forms V581F, V506F, V552F, V553F, V587F, V683F, V416F, V447F.
Identifiers: ClinVar variation 160079 (VCV000160079.16), dbSNP rs587784460, ClinGen allele CA272702.